The following is an entry in ClinVar:

ClinVar aggregate classification (germline): Uncertain significance (1 of 4 stars; one submission).

Submission:

GeneDx
Classification: Uncertain significance. Last evaluated: 2014-03-19. Review status: criteria provided, single submitter. Criteria: GeneDx Variant Classification (06012015). Collection method: clinical testing. Allele origin: germline. Affected: yes.
Comment: This variant is denoted p.Asn77Ile (AAT>ATT): c.230 A>T in exon 2 of the MYPN gene (NM_032578.3). The N77I variant has not been published as a mutation, nor has it been reported as a benign polymorphism to our knowledge. The N77I variant was not observed in approximately 6,500 individuals of European and African American ancestry in the NHLBI Exome Sequencing Project, indicating it is not a common benign variant in these populations. The N77I variant is a non-conservative amino acid substitution, which is likely to impact secondary protein structure as these residues differ in polarity, charge, size and/or other properties. However, this substitution occurs at a position that is not conserved across species. Nevertheless, in silico analysis predicts this variant is probably damaging to the protein structure/function. Therefore, based on the currently available information, it is unclear whether this variant is a pathogenic mutation or a rare benign variant. The variant is found in CARDIOMYOPATHY panel(s).

NM_032578.4(MYPN):c.230A>T (p.Asn77Ile)

Gene: MYPN (myopalladin; plus strand). Cytogenetic location: 10q21.3.
Variant type: single nucleotide variant.
Coding change: c.230A>T on transcript NM_032578.4 (MANE Select); coding-DNA position 230, A replaced by T.
Protein change: p.Asn77Ile; replaces asparagine 77 with isoleucine.
Molecular consequence: missense variant. On other transcripts: 5 prime UTR variant (1), non-coding transcript variant (1).
Genome position (GRCh38, 1-based): chr10:68,121,668, A>T. VCF-style: chr10-68121668-A-T. GRCh37 (hg19) VCF-style: chr10-69881425-A-T.
Other names: p.N77I:AAT>ATT; c.230A>T, p.Asn77Ile (NM_001256267.2); c.-893A>T (NM_001256268.2); short protein forms N77I.
Identifiers: ClinVar variation 201878 (VCV000201878.2), dbSNP rs747347778, ClinGen allele CA335283.